The following is an entry in ClinVar:

NM_030777.4(SLC2A10):c.395G>C (p.Arg132Pro)

Gene: SLC2A10 (solute carrier family 2 member 10; plus strand). Cytogenetic location: 20q13.12.
Variant type: single nucleotide variant.
Coding change: c.395G>C on transcript NM_030777.4 (MANE Select); coding-DNA position 395, G replaced by C.
Protein change: p.Arg132Pro; replaces arginine 132 with proline.
Molecular consequence: missense variant.
Genome position (GRCh38, 1-based): chr20:46,725,431, G>C. VCF-style: chr20-46725431-G-C. GRCh37 (hg19) VCF-style: chr20-45354070-G-C.
Other names: short protein forms R132P.
Identifiers: ClinVar variation 3250873 (VCV003250873.18), dbSNP rs376346077.

ClinVar aggregate classification (germline): Likely pathogenic (1 of 4 stars; one submission).

gnomAD v4.1: 1 of 1,614,138 alleles (0.000062%); highest among the groups gnomAD compares: Non-Finnish European, 0.000085%; no homozygotes.

Submission:

CeGaT Center for Human Genetics Tuebingen
Classification: Likely pathogenic. Last evaluated: 2024-06-01. Review status: criteria provided, single submitter. Criteria: CeGaT Center For Human Genetics Tuebingen Variant Classification Criteria Version 2. Collection method: clinical testing. Allele origin: germline. Affected: yes. Observed: 1 variant allele.
Comment: SLC2A10: PM1, PM2, PM5